The following is an entry in ClinVar:

ClinVar aggregate classification (germline): Uncertain significance (1 of 4 stars; one submission).

Submission:

GeneDx
Classification: Uncertain significance. Last evaluated: 2026-04-16. Review status: criteria provided, single submitter. Criteria: GeneDx Variant Classification Process June 2021. Collection method: clinical testing. Allele origin: germline.
Comment: Not observed in large population cohorts (gnomAD); In silico analysis supports that this missense variant has a deleterious effect on protein structure/function; Has not been previously published as pathogenic or benign to our knowledge

NM_004187.5(KDM5C):c.394C>T (p.Arg132Cys)

Gene: KDM5C (lysine demethylase 5C; minus strand). Cytogenetic location: Xp11.22.
Variant type: single nucleotide variant.
Coding change: c.394C>T on transcript NM_004187.5 (MANE Select); coding-DNA position 394, C replaced by T.
Protein change: p.Arg132Cys; replaces arginine 132 with cysteine.
Molecular consequence: missense variant. On other transcripts: non-coding transcript variant (3).
Genome position (GRCh38, 1-based): chrX:53,217,924, G>A on the plus strand (C>T on the coding strand, the complement: KDM5C is on the minus strand). VCF-style: chrX-53217924-G-A. GRCh37 (hg19) VCF-style: chrX-53247106-G-A.
Other names: c.193C>T, p.Arg65Cys (NM_001146702.2); c.394C>T, p.Arg132Cys (NM_001282622.3, NM_001353978.3, NM_001353979.2 and 3 more transcripts); short protein forms R132C, R65C.
Identifiers: ClinVar variation 5037711 (VCV005037711.1).